The following is an entry in ClinVar:

ClinVar aggregate classification (germline): Pathogenic (1 of 4 stars; one submission).

Conditions:
Retinitis pigmentosa 38 (RP38). Also called: ROD-CONE DYSTROPHY, CHILDHOOD-ONSET. Identifiers: Orphanet 791, MedGen C3151228, MONDO:0013469, OMIM 613862.

Submission:

Centre for Human Genetics, University of Kinshasa
Classification: Pathogenic for Retinitis pigmentosa 38. Last evaluated: 2024-03-07. Review status: criteria provided, single submitter. Criteria: ACMG/ClinGen CNV Guidelines, 2019. Collection method: research. Allele origin: maternal. Inheritance: Autosomal recessive inheritance. Affected: no. Observed: 1 compound heterozygote.
Comment: The variants in a gene (MERTK) are previously associated with retinal pigmentosa 38. This 120kb loss variant is known and reported variant in ClinVar as pathogenic (Accession: VCV002579232.1). This variant was assumed to be in trans with the missense NM_006343.3:c.263C>T (p.Ser88Leu) on the other chromosome, matching with the known mode of inheritance and with the assumption of compound heterozygosity as the most likely genotype.

Single allele

Genes: MERTK (MER proto-oncogene, tyrosine kinase; plus strand), LOC112806037 (Sharpr-MPRA regulatory region 3720; plus strand), LOC122817727 (Sharpr-MPRA regulatory region 10261; plus strand). Cytogenetic location: 2q13.
Variant type: Deletion.
Identifiers: ClinVar variation 3341289 (VCV003341289.1).